The following is an entry in ClinVar:

ClinVar aggregate classification (germline): Uncertain significance (1 of 4 stars; one submission).

Conditions:
Methylcobalamin deficiency type cblE (HMAE). Also called: HOMOCYSTINURIA-MEGALOBLASTIC ANEMIA, cblE COMPLEMENTATION TYPE; VITAMIN B12-RESPONSIVE HOMOCYSTINURIA, cblE TYPE; HOMOCYSTINURIA-MEGALOBLASTIC ANEMIA, cblE TYPE. Identifiers: Orphanet 2169, Orphanet 622, MedGen C1856057, MONDO:0009354, OMIM 236270.

Submission:

Labcorp Genetics (formerly Invitae), Labcorp
Classification: Uncertain significance for Methylcobalamin deficiency type cblE. Last evaluated: 2021-05-28. Review status: criteria provided, single submitter. Criteria: Invitae Variant Classification Sherloc (09022015). Collection method: clinical testing. Allele origin: germline.
Comment: This variant results in a copy number gain of the genomic region encompassing exon(s) 12-15 of the MTRR gene. The 5' boundary is likely confined to intron 11. The 3' end of this event is unknown as it extends beyond the assayed region for this gene and therefore may encompass additional genes. As the precise location of this event is unknown, it may be in tandem or it may be located elsewhere in the genome. This variant has not been reported in the literature in individuals with MTRR-related conditions. In summary, the available evidence is currently insufficient to determine the role of this variant in disease. Therefore, it has been classified as a Variant of Uncertain Significance.

NC_000005.9:g.(?_7895827)_(7900171_?)dup

Gene: MTRR (5-methyltetrahydrofolate-homocysteine methyltransferase reductase; plus strand). Cytogenetic location: 5p15.31.
Variant type: Duplication.
Identifiers: ClinVar variation 1511902 (VCV001511902.4).